The following is an entry in ClinVar:

ClinVar aggregate classification (germline): Likely benign (1 of 4 stars; one submission).

Submission:

CeGaT Center for Human Genetics Tuebingen
Classification: Likely benign. Last evaluated: 2026-02-01. Review status: criteria provided, single submitter. Criteria: CeGaT Center For Human Genetics Tuebingen Variant Classification Criteria Version 2. Collection method: clinical testing. Allele origin: germline. Affected: yes. Observed: 1 variant allele.
Comment: ANKLE1: BS2

NM_152363.6(ANKLE1):c.*96GT[13]

Gene: ANKLE1 (ankyrin repeat and LEM domain containing 1; plus strand). Cytogenetic location: 19p13.11.
Variant type: Microsatellite.
Coding change: c.*96GT[13] on transcript NM_152363.6 (MANE Select); 13 copies in a row of the 2-base unit GT starting at c.*96; the reference has 22 copies in a row; nine copies, 18 bases deleted.
Molecular consequence: 3 prime UTR variant. On other transcripts: inframe deletion (1), non-coding transcript variant (1).
Genome position (GRCh38, 1-based): chr19:17,286,674-17,286,691, GTGTGTGTGTGTGTGTGT deleted; deleting any 18 consecutive bases within chr19:17,286,648-17,286,691 gives the same sequence; the position shown is the placement nearest the transcript's 3' end. VCF-style (leftmost placement, unchanged base first): chr19-17286647-GGTGTGTGTGTGTGTGTGT-G. GRCh37 (hg19) VCF-style: chr19-17397456-GGTGTGTGTGTGTGTGTGT-G.
Other names: c.*96GT[13] (NM_001278443.2, NM_001278445.2); c.1753_1770del, p.577VC[4] (NM_001278444.2).
Identifiers: ClinVar variation 4821147 (VCV004821147.4).
Genomic context (GRCh38, chr19:17,286,647, plus strand): 5'-ATGTTTGAATGTTCCAGCTGCCCCATGCTGACAGCAGCCCCCATCTCTGGTTTCAGAAGG[GGTGTGTGTGTGTGTGTGT>G]GTGTGTGTGTGTGTGTGTGTGTGTGTTTGTGTGTGTGTGTGTGTGTGTAGGGAGCACCCA-3'